The following is an entry in ClinVar:

NM_138615.3(DHX30):c.1237C>T (p.Leu413Phe)

Gene: DHX30 (DExH-box helicase 30; plus strand). Cytogenetic location: 3p21.31.
Variant type: single nucleotide variant.
Coding change: c.1237C>T on transcript NM_138615.3 (MANE Select); coding-DNA position 1237, C replaced by T.
Protein change: p.Leu413Phe; replaces leucine 413 with phenylalanine.
Molecular consequence: missense variant.
Genome position (GRCh38, 1-based): chr3:47,846,309, C>T. VCF-style: chr3-47846309-C-T. GRCh37 (hg19) VCF-style: chr3-47887799-C-T.
Other names: c.1153C>T, p.Leu385Phe (NM_001330990.2); c.1120C>T, p.Leu374Phe (NM_014966.4); short protein forms L374F, L385F, L413F.
Identifiers: ClinVar variation 1341913 (VCV001341913.1), dbSNP rs1165263764, ClinGen allele CA352585955.
Genomic context (GRCh38, chr3:47,846,309, plus strand): 5'-CTGAGTGACCCTATCACAGGCAAGCCCTATGTGCCCCTGTTGGAAGCAGAGGAGGTACGT[C>T]TCAGCCAGAGTCTGCTAGAACTGTGGCGGCGGCGAGGGCCGGTCTGGCAGGAGGCCCCCC-3'
Protein context (NP_619520.1, residues 403-423): VPLLEAEEVR[Leu413Phe]SQSLLELWRR

ClinVar aggregate classification (germline): Uncertain significance (1 of 4 stars; one submission).

Conditions:
Neurodevelopmental disorder with severe motor impairment and absent language. Also called: NEURODEVELOPMENTAL DISORDER WITH VARIABLE MOTOR AND LANGUAGE IMPAIRMENT. Identifiers: Orphanet 647788, MedGen C4540496, MONDO:0060622, OMIM 617804.

Allele frequency attached by ClinVar (database versions not stated): gnomAD exomes below 0.00001.
gnomAD v4.1: 1 of 1,614,220 alleles (0.000062%); highest among the groups gnomAD compares: Non-Finnish European, 0.000085%; no homozygotes.

Submission:

New York Genome Center
Classification: Uncertain significance for Neurodevelopmental disorder with severe motor impairment and absent language. Last evaluated: 2020-05-15. Review status: criteria provided, single submitter. Criteria: NYGC Assertion Criteria 2020. Collection method: clinical testing. Allele origin: inherited. Observed: 1 heterozygote. Study: CSER-NYCKidSeq.
Comment: The inherited heterozygous p.Leu413Phe missense variant identified in the DHX30 gene has not been reported in affected individuals in the literature to the best of our knowledge. This variant is absent from the gnomAD(v3.0) database indicating that it is an extremely rare allele in the general population. The variant affects a moderately conserved residue and is predicted deleterious by multiple in silico prediction tools. Functional studies have not been performed to evaluate potential pathogenicity of this variant. Based on the available evidence, the inherited heterozygous p.Leu413Phe variant identified in the DHX30 gene is reported as a variant of uncertain significance.